The following is an entry in ClinVar:

NM_004612.4(TGFBR1):c.236_237insGGCCGGGCGCGGTGGCTCACGCCTGTAATCCCAGCACTTTGGGAGGCTGAGGCAGAATGATCACCTGAGGTCAGNNNNNNNNNNAAAAAAAAAAAAAAAAAAAAGAAATTGACTTAATTCC (p.Pro79_Arg80insAlaGlyArgGlyGlySerArgLeuTer)

Gene: TGFBR1 (transforming growth factor beta receptor 1; plus strand). Cytogenetic location: 9q22.33.
Variant type: Insertion.
Coding change: c.236_237insGGCCGGGCGCGGTGGCTCACGCCTGTAATCCCAGCACTTTGGGAGGCTGAGGCAGAATGATCACCTGAGGTCAGNNNNNNNNNNAAAAAAAAAAAAAAAAAAAAGAAATTGACTTAATTCC on transcript NM_004612.4 (MANE Select); coding-DNA positions 236 to 237, GGCCGGGCGCGGTGGCTCACGCCTGTAATCCCAGCACTTTGGGAGGCTGAGGCAGAATGATCACCTGAGGTCAGNNNNNNNNNNAAAAAAAAAAAAAAAAAAAAGAAATTGACTTAATTCC inserted.
Protein change: p.Pro79_Arg80insAlaGlyArgGlyGlySerArgLeuTer.
Molecular consequence: nonsense, inframe insertion. On other transcripts: non-coding transcript variant (4), intron variant (3).
Genome position: GRCh38: chr9:99,128,993-99,128,994. GRCh37 (hg19): chr9:101,891,275-101,891,276.
Other names: c.236_237insGGCCGGGCGCGGTGGCTCACGCCTGTAATCCCAGCACTTTGGGAGGCTGAGGCAGAATGATCACCTGAGGTCAGNNNNNNNNNNAAAAAAAAAAAAAAAAAAAAGAAATTGACTTAATTCC, p.Pro79_Arg80insAlaGlyArgGlyGlySerArgLeuTer (NM_001130916.3, NM_001306210.2, NM_001407416.1 and 2 more transcripts); c.29_30insGGCCGGGCGCGGTGGCTCACGCCTGTAATCCCAGCACTTTGGGAGGCTGAGGCAGAATGATCACCTGAGGTCAGNNNNNNNNNNAAAAAAAAAAAAAAAAAAAAGAAATTGACTTAATTCC, p.Pro10_Arg11insAlaGlyArgGlyGlySerArgLeuTer (NM_001407418.1, NM_001407419.1, NM_001407420.1 and 12 more transcripts); c.98-3516_98-3515insGGCCGGGCGCGGTGGCTCACGCCTGTAATCCCAGCACTTTGGGAGGCTGAGGCAGAATGATCACCTGAGGTCAGNNNNNNNNNNAAAAAAAAAAAAAAAAAAAAGAAATTGACTTAATTCC (NM_001407436.1); c.98-8866_98-8865insGGCCGGGCGCGGTGGCTCACGCCTGTAATCCCAGCACTTTGGGAGGCTGAGGCAGAATGATCACCTGAGGTCAGNNNNNNNNNNAAAAAAAAAAAAAAAAAAAAGAAATTGACTTAATTCC (NM_001407438.1); c.98-13543_98-13542insGGCCGGGCGCGGTGGCTCACGCCTGTAATCCCAGCACTTTGGGAGGCTGAGGCAGAATGATCACCTGAGGTCAGNNNNNNNNNNAAAAAAAAAAAAAAAAAAAAGAAATTGACTTAATTCC (NM_001407437.1).
Identifiers: ClinVar variation 2836884 (VCV002836884.3), dbSNP rs2490107569.

ClinVar aggregate classification (germline): Pathogenic (1 of 4 stars; one submission).

Conditions:
Familial thoracic aortic aneurysm and aortic dissection (TAAD). Also called: Thoracic aortic aneurysms and dissections. Identifiers: Orphanet 91387, MedGen C4707243, MONDO:0019625.

Submission:

Labcorp Genetics (formerly Invitae), Labcorp
Classification: Pathogenic for Familial thoracic aortic aneurysm and aortic dissection. Last evaluated: 2025-10-15. Review status: criteria provided, single submitter. Criteria: Invitae Variant Classification Sherloc (09022015). Collection method: clinical testing. Allele origin: germline.
Comment: This sequence change inserts a large fragment of DNA, likely a transposable element, in exon 2 of the TGFBR1 gene (c.236_237ins?), causing a frameshift at codon 79 (p.Pro79fs). The exact size and sequence of the insertion cannot be determined by the current assay. However, the insertion is expected to result in an absent or disrupted protein product. This variant is not present in population databases (gnomAD no frequency). This variant has not been reported in the literature in individuals affected with TGFBR1-related conditions. Algorithms developed to predict the effect of sequence changes on RNA splicing suggest that this variant may disrupt the consensus splice site. Retrotransposon insertions including LINE1 (L1), Alu, and SVA (SINE-VNTR-Alu) have been reported to be disease-causing through disruption of either a coding region or splice site (PMID: 19763152, 20307669, 22406018) and loss-of-function variants in TGFBR1 are known to be pathogenic (PMID: 21358634). For these reasons, this variant has been classified as Pathogenic.

Literature cited by the submitters: PubMed 19763152; PubMed 20307669; PubMed 22406018; PubMed 21358634.